The following is an entry in ClinVar:

ClinVar aggregate classification (germline): Uncertain significance. Review status: criteria provided, multiple submitters, no conflicts (2 of 4 stars). 3 submissions from 3 submitters: Uncertain significance (3). Last evaluated 2024-11-25.

Conditions:
Usher syndrome type 2A. Also called: RETINAL DISEASE IN USHER SYNDROME TYPE IIA, MODIFIER OF; USHER SYNDROME, TYPE IIA. Identifiers: Orphanet 231178, Orphanet 886, MedGen C1848634, MONDO:0010169, OMIM 276901.
Retinitis pigmentosa 39 (RP39). Identifiers: Orphanet 791, MedGen C3151138, MONDO:0013436, OMIM 613809.

Allele frequency attached by ClinVar (database versions not stated): TOPMed 0.00002; gnomAD exomes 0.00003.
gnomAD v4.1: 39 of 1,614,070 alleles (0.0024%); highest among the groups gnomAD compares: Non-Finnish European, 0.0031%; no homozygotes.

Submissions (3):

Blueprint Genetics
Classification: Uncertain significance. Last evaluated: 2024-11-25. Review status: criteria provided, single submitter. Criteria: ACMG Guidelines, 2015. Collection method: clinical testing. Allele origin: germline.

Fulgent Genetics
Classification: Uncertain significance for Usher syndrome type 2A; Retinitis pigmentosa 39. Last evaluated: 2024-04-04. Review status: criteria provided, single submitter. Criteria: ACMG Guidelines, 2015. Collection method: clinical testing. Allele origin: germline.

Labcorp Genetics (formerly Invitae), Labcorp
Classification: Uncertain significance. Last evaluated: 2022-09-27. Review status: criteria provided, single submitter. Criteria: Invitae Variant Classification Sherloc (09022015). Collection method: clinical testing. Allele origin: germline.
Comment: This sequence change replaces histidine, which is basic and polar, with arginine, which is basic and polar, at codon 3452 of the USH2A protein (p.His3452Arg). This variant is present in population databases (no rsID available, gnomAD 0.005%). This variant has not been reported in the literature in individuals affected with USH2A-related conditions. Advanced modeling of protein sequence and biophysical properties (such as structural, functional, and spatial information, amino acid conservation, physicochemical variation, residue mobility, and thermodynamic stability) performed at Invitae indicates that this missense variant is not expected to disrupt USH2A protein function. In summary, the available evidence is currently insufficient to determine the role of this variant in disease. Therefore, it has been classified as a Variant of Uncertain Significance.

NM_206933.4(USH2A):c.10355A>G (p.His3452Arg)

Gene: USH2A (usherin; minus strand). Cytogenetic location: 1q41.
Variant type: single nucleotide variant.
Coding change: c.10355A>G on transcript NM_206933.4 (MANE Select); coding-DNA position 10355, A replaced by G.
Protein change: p.His3452Arg; replaces histidine 3452 with arginine.
Molecular consequence: missense variant.
Genome position (GRCh38, 1-based): chr1:215,786,702, T>C on the plus strand (A>G on the coding strand, the complement: USH2A is on the minus strand). VCF-style: chr1-215786702-T-C. GRCh37 (hg19) VCF-style: chr1-215960044-T-C.
Other names: short protein forms H3452R.
Identifiers: ClinVar variation 2154729 (VCV002154729.3), dbSNP rs918464664, ClinGen allele CA37440814.
Genomic context (GRCh38, chr1:215,786,702, plus strand): 5'-CATGGGCAGACAGCTTGCTTTCTGTTACCTGTGTAAGAGTACGTGTTTACACTCCCTGTA[T>C]GAATGGTTTCTTCGGCAGATGAACACATTTCTTCAATTGATGCCTTCCCTGTGGAATTGT-3'
Protein context (NP_996816.3, residues 3442-3462): EMCSSAEETI[His3452Arg]TGSVNTYSYT